The following is an entry in ClinVar:

ClinVar aggregate classification (germline): Pathogenic/Likely pathogenic. Review status: criteria provided, multiple submitters, no conflicts (2 of 4 stars). 26 submissions from 25 submitters: Pathogenic (14); Likely pathogenic (6). 6 of the submissions do not count toward it. Last evaluated 2026-05-18.

Conditions:
Usher syndrome. Also called: Usher Syndromes; Usher's syndrome. Identifiers: Orphanet 886, MedGen CN469326, MeSH D052245, MONDO:0019501. Disease mechanism: loss of function.
USH2A-related disorder. Also called: USH2A-related condition; USH2A-related disorders. Identifiers: MedGen CN239332.
Retinitis pigmentosa 39 (RP39). Identifiers: Orphanet 791, MedGen C3151138, MONDO:0013436, OMIM 613809.
Usher syndrome type 2A. Also called: USHER SYNDROME, TYPE IIA; RETINAL DISEASE IN USHER SYNDROME TYPE IIA, MODIFIER OF. Identifiers: Orphanet 231178, Orphanet 886, MedGen C1848634, MONDO:0010169, OMIM 276901.
Retinal dystrophy. Also called: Inherited retinal dystrophy. Identifiers: Orphanet 71862, MedGen C0854723, MeSH D058499, MONDO:0019118, HP:0000556.
Retinitis pigmentosa (RP). Identifiers: Orphanet 791, MedGen C0035334, MeSH D012174, MONDO:0019200, OMIM 268000. Inheritance: Autosomal dominant, autosomal recessive and X linked inheritance.

Allele frequency attached by ClinVar (database versions not stated): gnomAD 0.00006; TOPMed 0.00007.
gnomAD v4.1: 80 of 1,613,912 alleles (0.005%); highest among the groups gnomAD compares: Middle Eastern, 0.016%; no homozygotes.

Submissions 1 to 13 of 26:

PreventionGenetics, part of Exact Sciences
Classification: Pathogenic for USH2A-related condition. Last evaluated: 2026-05-18. Review status: criteria provided, single submitter. Criteria: ACMG Guidelines, 2015. Collection method: clinical testing. Allele origin: germline.
Comment: The USH2A c.11156G>A variant is predicted to result in the amino acid substitution p.Arg3719His. This variant has been reported, in the homozygous state or in the heterozygous state with a second potentially causative variant, in many individuals with autosomal recessive retinitis pigmentosa and Usher syndrome (see for examples: Chen et al. 2014. PubMed ID: 25133613; Table S2, Weisschuh et al. 2020. PubMed ID: 32531858; Table S2, Gao et al. 2021. PubMed ID: 32188678). This variant also segregated with disease in a single family with two affected and two unaffected siblings (Yang et al. 2015. PubMed ID: 26496393). This variant is reported in 0.020% of alleles in individuals of East Asian descent in gnomAD. This variant is interpreted as pathogenic.

Labcorp Genetics (formerly Invitae), Labcorp
Classification: Pathogenic. Last evaluated: 2026-01-21. Review status: criteria provided, single submitter. Criteria: Invitae Variant Classification Sherloc (09022015). Collection method: clinical testing. Allele origin: germline.
Comment: This sequence change replaces arginine, which is basic and polar, with histidine, which is basic and polar, at codon 3719 of the USH2A protein (p.Arg3719His). This variant is present in population databases (rs527236139, gnomAD 0.02%). This missense change has been observed in individual(s) with USH2A-related disease (PMID: 25133613, 28157192, 29641573, 30190494, 30280194). In at least one individual the data is consistent with being in trans (on the opposite chromosome) from a pathogenic variant. It has also been observed to segregate with disease in related individuals. ClinVar contains an entry for this variant (Variation ID: 143170). Invitae Evidence Modeling of protein sequence and biophysical properties (such as structural, functional, and spatial information, amino acid conservation, physicochemical variation, residue mobility, and thermodynamic stability) has been performed for this missense variant. However, the output from this modeling did not meet the statistical confidence thresholds required to predict the impact of this variant on USH2A protein function. For these reasons, this variant has been classified as Pathogenic.

Variantyx, Inc.
Classification: Pathogenic for Retinitis pigmentosa 39. Last evaluated: 2026-01-12. Review status: criteria provided, single submitter. Criteria: Variantyx Assertion Criteria 2022. Collection method: clinical testing. Allele origin: maternal. Inheritance: Autosomal recessive inheritance. Affected: no.
Comment: Pathogenic variants in this gene have been associated with autosomal recessive Retinitis pigmentosa 39. This variant has been reported in the homozygous or compound heterozygous state in many unrelated affected individuals (PMID: 31960602, 32581362, 31736247, 30190494, 28157192, 26927203, 33105608, 33124170) (PM3_Very_Strong). Multiple computational algorithms predict a deleterious effect for this substitution (PP3). This variant has a 0.0298% maximum allele frequency in non-founder control populations (PM2_Supporting). Based on the current evidence, this variant is classified as pathogenic for autosomal recessive Retinitis pigmentosa 39.

Natera, Inc.
Classification: Pathogenic for Usher syndrome type 2A. Last evaluated: 2026-01-08. Review status: criteria provided, single submitter. Criteria: Natera Variant Classification Schema (03/2026). Collection method: clinical testing. Allele origin: germline.
Comment: The c.11156G>A variant in USH2A is a missense variant predicted to cause substitution of arginine to histidine at amino acid 3719. This variant is rare in the general population with a frequency below the threshold expected for the associated phenotype(s). This variant has been observed in one or more individuals affected with the associated recessive disease, as either homozygous or compound heterozygous with a second variant (PMID: 33124170, 30029497). Computational prediction algorithms indicate this variant is likely to affect gene or protein function. Given the available evidence, this variant is classified as Pathogenic.

3billion
Classification: Pathogenic for Retinitis pigmentosa 39. Last evaluated: 2025-08-21. Review status: criteria provided, single submitter. Criteria: ACMG Guidelines, 2015. Collection method: clinical testing. Allele origin: germline. Affected: yes.
Comment: The variant is observed at an extremely low frequency in the gnomAD v4.1.0 dataset (total allele frequency: 0.005%). Predicted Consequence/Location: Missense variant The same nucleotide change resulting in the same amino acid change has been previously reported as pathogenic/likely pathogenic with strong evidence (ClinVar ID: VCV000143170 /PMID: 25133613 /3billion dataset). The variant has been reported to be in trans with a pathogenic variant as either compound heterozygous or homozygous in at least 2 similarly affected unrelated individuals (PMID: 25133613, 26496393, 30280194). Different missense changes at the same codon (p.Arg3719Cys, p.Arg3719Leu) have been reported as pathogenic/likely pathogenic with strong evidence (ClinVar ID: VCV000866354, VCV001005883 /PMID: 31998945). Therefore, this variant is classified as Pathogenic according to the recommendation of ACMG/AMP guideline.

SingHealth Duke-NUS Institute of Precision Medicine
Classification: Likely pathogenic for Retinitis pigmentosa 39. Last evaluated: 2025-02-05. Review status: criteria provided, single submitter. Criteria: PRISM ACMG Classification Criteria. Collection method: clinical testing. Allele origin: germline. Affected: yes.
Comment: Variant is located in a mutational hotspot where >50% of classified variants are pathogenic (PM1). Homozygous allele count in gnomAD exomes and genomes are less than 0 (PM2). Other variants at the same amino acid residue have been classified as pathogenic/likely pathogenic(PM5, p.Arg3719Cys; p.Arg3719Leu). Cosegregation with disease phenotypes observed in multiple families in multiple studies (PP1, PMID: 30280194;29625443)

Blueprint Genetics
Classification: Pathogenic for USH2A-related disorders. Last evaluated: 2024-07-23. Review status: criteria provided, single submitter. Criteria: ACMG Guidelines, 2015. Collection method: clinical testing. Allele origin: germline. Affected: yes. Observed: 5 variant alleles.

Genomic Medicine Center of Excellence, King Faisal Specialist Hospital and Research Centre
Classification: Pathogenic for Usher syndrome type 2A. Last evaluated: 2024-04-04. Review status: criteria provided, single submitter. Criteria: ACMG Guidelines, 2015. Collection method: clinical testing. Allele origin: germline.

GeneDx
Classification: Pathogenic. Last evaluated: 2024-03-29. Review status: criteria provided, single submitter. Criteria: GeneDx Variant Classification Process June 2021. Collection method: clinical testing. Allele origin: germline. Affected: yes.
Comment: In silico analysis supports that this missense variant has a deleterious effect on protein structure/function; This variant is associated with the following publications: (PMID: 31736247, 28041643, 29641573, 27460420, 28157192, 34416374, 32531858, 20507924, 29899460, 25133613, 26496393, 25324289, 26927203, 30280194, 28559085, 29625443, 30190494, 30718709, 31054281, 32100970, 32581362, 32188678, 33105608, 34426522, 33124170, 32675063, 33090715, 33691693, 33946315, 34721897, 31960602, 32637036, 34839010, 31269850, 25649381, 35266249, 32037395, 36819107, 37217505, 36460718, 36729443)

Baylor Genetics
Classification: Pathogenic for Retinitis pigmentosa 39. Last evaluated: 2024-03-09. Review status: criteria provided, single submitter. Criteria: ACMG Guidelines, 2015. Collection method: clinical testing. Allele origin: unknown.

Fulgent Genetics
Classification: Pathogenic for Usher syndrome type 2A; Retinitis pigmentosa 39. Last evaluated: 2024-03-06. Review status: criteria provided, single submitter. Criteria: ACMG Guidelines, 2015. Collection method: clinical testing. Allele origin: germline.

Laboratory of Medical Genetics, National & Kapodistrian University of Athens
Classification: Pathogenic for Usher syndrome type 2A. Last evaluated: 2024-02-01. Review status: criteria provided, single submitter. Criteria: ACMG Guidelines, 2015. Collection method: curation. Allele origin: germline. Affected: no.

Dept Of Ophthalmology, Nagoya University
Classification: Pathogenic for Retinal dystrophy. Last evaluated: 2023-10-01. Review status: criteria provided, single submitter. Criteria: Submitter's publication. Collection method: research. Allele origin: germline. Affected: yes.

NM_206933.4(USH2A):c.11156G>A (p.Arg3719His)

Gene: USH2A (usherin; minus strand). Cytogenetic location: 1q41.
Variant type: single nucleotide variant.
Coding change: c.11156G>A on transcript NM_206933.4 (MANE Select); coding-DNA position 11156, G replaced by A.
Protein change: p.Arg3719His; replaces arginine 3719 with histidine.
Molecular consequence: missense variant.
Genome position (GRCh38, 1-based): chr1:215,759,735, C>T on the plus strand (G>A on the coding strand, the complement: USH2A is on the minus strand). VCF-style: chr1-215759735-C-T. GRCh37 (hg19) VCF-style: chr1-215933077-C-T.
Other names: short protein forms R3719H.
Identifiers: ClinVar variation 143170 (VCV000143170.76), dbSNP rs527236139, ClinGen allele CA270135.